The following is an entry in ClinVar:

NM_001035.3(RYR2):c.14012G>T (p.Gly4671Val)

Gene: RYR2 (ryanodine receptor 2; plus strand). Cytogenetic location: 1q43.
Variant type: single nucleotide variant.
Coding change: c.14012G>T on transcript NM_001035.3 (MANE Select); coding-DNA position 14012, G replaced by T.
Protein change: p.Gly4671Val; replaces glycine 4671 with valine.
Molecular consequence: missense variant.
Genome position (GRCh38, 1-based): chr1:237,798,092, G>T. VCF-style: chr1-237798092-G-T. GRCh37 (hg19) VCF-style: chr1-237961392-G-T.
Other names: short protein forms G4671V.
Identifiers: ClinVar variation 1472043 (VCV001472043.10), dbSNP rs1420186189, ClinGen allele CA345419743.

ClinVar aggregate classification (germline): Conflicting classifications of pathogenicity. Review status: criteria provided, conflicting classifications (1 of 4 stars). 2 submissions from 2 submitters: Likely pathogenic (1); Uncertain significance (1). Last evaluated 2024-03-04.

Conditions:
RYR2-related disorder. Also called: RYR2-related condition.
Catecholaminergic polymorphic ventricular tachycardia 1. Also called: VENTRICULAR TACHYCARDIA, CATECHOLAMINERGIC POLYMORPHIC, 1, WITH OR WITHOUT ATRIAL DYSFUNCTION AND/OR DILATED CARDIOMYOPATHY; RYR2-Related Catecholaminergic Polymorphic Ventricular Tachycardia; VENTRICULAR TACHYCARDIA, STRESS-INDUCED POLYMORPHIC 1. Identifiers: Orphanet 3286, MedGen C1631597, MONDO:0011484, OMIM 604772.

Allele frequency attached by ClinVar (database versions not stated): gnomAD exomes below 0.00001.
gnomAD v4.1: 1 of 1,611,780 alleles (0.000062%); highest among the groups gnomAD compares: East Asian, 0.0022%; no homozygotes.

Submissions (2):

Labcorp Genetics (formerly Invitae), Labcorp
Classification: Uncertain significance for Catecholaminergic polymorphic ventricular tachycardia 1. Last evaluated: 2024-03-04. Review status: criteria provided, single submitter. Criteria: Invitae Variant Classification Sherloc (09022015). Collection method: clinical testing. Allele origin: germline.
Comment: This sequence change replaces glycine, which is neutral and non-polar, with valine, which is neutral and non-polar, at codon 4671 of the RYR2 protein (p.Gly4671Val). This variant is not present in population databases (gnomAD no frequency). This missense change has been observed in individual(s) with clinical features of catecholaminergic polymorphic ventricular tachycardia (PMID: 18752142). ClinVar contains an entry for this variant (Variation ID: 1472043). Advanced modeling of protein sequence and biophysical properties (such as structural, functional, and spatial information, amino acid conservation, physicochemical variation, residue mobility, and thermodynamic stability) performed at Invitae indicates that this missense variant is expected to disrupt RYR2 protein function with a positive predictive value of 95%. In summary, the available evidence is currently insufficient to determine the role of this variant in disease. Therefore, it has been classified as a Variant of Uncertain Significance.

Blueprint Genetics
Classification: Likely pathogenic for RYR2-related disorders. Last evaluated: 2018-01-30. Review status: criteria provided, single submitter. Criteria: ACMG Guidelines, 2015. Collection method: clinical testing. Allele origin: germline. Affected: yes. Observed: 1 variant allele.

Literature cited by the submitters: PubMed 18752142 (cited by Labcorp Genetics (formerly Invitae), Labcorp).